The following is an entry in ClinVar:

NM_000925.4(PDHB):c.866T>C (p.Leu289Pro)

Gene: PDHB (pyruvate dehydrogenase E1 subunit beta; minus strand). Cytogenetic location: 3p14.3.
Variant type: single nucleotide variant.
Coding change: c.866T>C on transcript NM_000925.4 (MANE Select); coding-DNA position 866, T replaced by C.
Protein change: p.Leu289Pro; replaces leucine 289 with proline.
Molecular consequence: missense variant. On other transcripts: non-coding transcript variant (1).
Genome position (GRCh38, 1-based): chr3:58,428,541, A>G on the plus strand (T>C on the coding strand, the complement: PDHB is on the minus strand). VCF-style: chr3-58428541-A-G. GRCh37 (hg19) VCF-style: chr3-58414268-A-G.
Other names: c.812T>C, p.Leu271Pro (NM_001173468.2, NM_001315536.2); short protein forms L271P, L289P.
Identifiers: ClinVar variation 1675926 (VCV001675926.33), dbSNP rs371393276, ClinGen allele CA75455103.

ClinVar aggregate classification (germline): Uncertain significance (1 of 4 stars; one submission).

Allele frequency attached by ClinVar (database versions not stated): gnomAD 0.00001; gnomAD exomes 0.00001; TOPMed 0.00001; ESP Exome Variant Server 0.00008.
gnomAD v4.1: 13 of 1,613,934 alleles (0.00081%); highest among the groups gnomAD compares: Non-Finnish European, 0.0011%; no homozygotes.

Submission:

CeGaT Center for Human Genetics Tuebingen
Classification: Uncertain significance. Last evaluated: 2024-11-01. Review status: criteria provided, single submitter. Criteria: CeGaT Center For Human Genetics Tuebingen Variant Classification Criteria Version 2. Collection method: clinical testing. Allele origin: germline. Affected: yes. Observed: 1 variant allele.
Comment: PDHB: PM2, PP3